The following is an entry in ClinVar:

NM_000548.5(TSC2):c.1332C>T (p.Asn444=)

Gene: TSC2 (TSC complex subunit 2; plus strand). Cytogenetic location: 16p13.3.
Variant type: single nucleotide variant.
Coding change: c.1332C>T on transcript NM_000548.5 (MANE Select); coding-DNA position 1332, C replaced by T.
Protein change: p.Asn444=; no amino-acid change (asparagine 444 retained).
Molecular consequence: synonymous variant.
Genome position (GRCh38, 1-based): chr16:2,062,571, C>T. VCF-style: chr16-2062571-C-T. GRCh37 (hg19) VCF-style: chr16-2112572-C-T.
Other names: c.1332C>T, p.Asn444= (NM_001077183.3, NM_001114382.3, NM_001363528.2 and 3 more transcripts); c.1221C>T, p.Asn407= (NM_001318827.2); c.1185C>T, p.Asn395= (NM_001318829.2); c.732C>T, p.Asn244= (NM_001318831.2); c.1365C>T, p.Asn455= (NM_001318832.2); c.1332C>T (NM_000548.4).
Identifiers: ClinVar variation 256618 (VCV000256618.49), dbSNP rs535984356, ClinGen allele CA029384.

ClinVar aggregate classification (germline): Benign/Likely benign. Review status: criteria provided, multiple submitters, no conflicts (2 of 4 stars). 12 submissions from 12 submitters: Benign (7); Likely benign (5). Last evaluated 2026-07-01.

Conditions:
Hereditary cancer-predisposing syndrome. Also called: Hereditary neoplastic syndrome; Hereditary Cancer Syndrome; Neoplastic Syndromes, Hereditary; Tumor predisposition. Identifiers: Orphanet 140162, MedGen C0027672, MeSH D009386, MONDO:0015356.
Tuberous sclerosis syndrome (TSC). Also called: Tuberous Sclerosis Complex; Tuberous sclerosis. Identifiers: Orphanet 805, MedGen C0041341, MONDO:0001734.
Tuberous sclerosis 2 (TSC2). Identifiers: Orphanet 805, MedGen C1860707, MONDO:0013199, OMIM 613254.

Allele frequency attached by ClinVar (database versions not stated): TOPMed 0.00001; gnomAD 0.00003; gnomAD exomes 0.00034; ExAC 0.00045; 1000 Genomes Project 30x 0.00047; 1000 Genomes Project 0.00060.
gnomAD v4.1: 266 of 1,611,354 alleles (0.017%); highest among the groups gnomAD compares: South Asian, 0.25%; 3 homozygotes.

Submissions (12):

CeGaT Center for Human Genetics Tuebingen
Classification: Likely benign. Last evaluated: 2026-07-01. Review status: criteria provided, single submitter. Criteria: CeGaT Center For Human Genetics Tuebingen Variant Classification Criteria Version 2. Collection method: clinical testing. Allele origin: germline. Affected: yes. Observed: 2 variant alleles.
Comment: TSC2: BP4, BP7, BS1

Labcorp Genetics (formerly Invitae), Labcorp
Classification: Benign for Tuberous sclerosis 2. Last evaluated: 2026-01-26. Review status: criteria provided, single submitter. Criteria: Invitae Variant Classification Sherloc (09022015). Collection method: clinical testing. Allele origin: germline.

Myriad Genetics, Inc.
Classification: Benign for Tuberous sclerosis 2. Last evaluated: 2025-05-13. Review status: criteria provided, single submitter. Criteria: Myriad Autosomal Dominant, Autosomal Recessive and X-Linked Classification Criteria (2023). Collection method: clinical testing. Allele origin: unknown.
Comment: This variant is considered benign. This variant is a silent/synonymous amino acid change and it is not expected to impact splicing.

KCCC/NGS Laboratory, Kuwait Cancer Control Center
Classification: Benign for Tuberous sclerosis 2. Last evaluated: 2025-02-01. Review status: criteria provided, single submitter. Criteria: ACMG Guidelines, 2015. Collection method: clinical testing. Allele origin: germline. Affected: no.

Blueprint Genetics
Classification: Likely benign. Last evaluated: 2024-07-11. Review status: criteria provided, single submitter. Criteria: ACMG Guidelines, 2015. Collection method: clinical testing. Allele origin: germline.

All of Us Research Program, National Institutes of Health
Classification: Benign for Tuberous sclerosis syndrome. Last evaluated: 2023-11-30. Review status: criteria provided, single submitter. Criteria: ACMG Guidelines, 2015. Collection method: clinical testing. Allele origin: germline. Inheritance: Autosomal dominant inheritance. Observed: 11 variant alleles, 11 heterozygotes.
Comment: This study involves interpretation of variants in research participants for the purpose of population health screening. Participant phenotype was not available at the time of variant classification. Additional details can be found in publication PMID: 35346344, PMCID: PMC8962531

Color Diagnostics, LLC DBA Color Health
Classification: Benign for Tuberous sclerosis syndrome. Last evaluated: 2022-09-20. Review status: criteria provided, single submitter. Criteria: ACMG Guidelines, 2015. Collection method: clinical testing. Allele origin: germline.

Genome-Nilou Lab
Classification: Benign for Tuberous sclerosis 2. Last evaluated: 2021-11-07. Review status: criteria provided, single submitter. Criteria: ACMG Guidelines, 2015. Collection method: clinical testing. Allele origin: germline. Affected: no.

Sema4
Classification: Likely benign for Hereditary cancer-predisposing syndrome. Last evaluated: 2021-02-17. Review status: criteria provided, single submitter. Criteria: Sema4 Curation Guidelines. Collection method: curation. Allele origin: germline.

GeneDx
Classification: Benign. Last evaluated: 2019-07-19. Review status: criteria provided, single submitter. Criteria: GeneDx Variant Classification Process June 2021. Collection method: clinical testing. Allele origin: germline. Affected: yes.

Ambry Genetics
Classification: Likely benign for Hereditary cancer-predisposing syndrome. Last evaluated: 2015-12-13. Review status: criteria provided, single submitter. Criteria: Ambry Variant Classification Scheme 2023. Collection method: clinical testing. Allele origin: germline.

PreventionGenetics, part of Exact Sciences
Classification: Likely benign. Review status: criteria provided, single submitter. Criteria: ACMG Guidelines, 2015. Collection method: clinical testing. Allele origin: germline.